The following is an entry in ClinVar:

NM_015338.6(ASXL1):c.355G>A (p.Val119Met)

Gene: ASXL1 (ASXL transcriptional regulator 1; plus strand). Cytogenetic location: 20q11.21.
Variant type: single nucleotide variant.
Coding change: c.355G>A on transcript NM_015338.6 (MANE Select); coding-DNA position 355, G replaced by A.
Protein change: p.Val119Met; replaces valine 119 with methionine.
Molecular consequence: missense variant.
Genome position (GRCh38, 1-based): chr20:32,428,230, G>A. VCF-style: chr20-32428230-G-A. GRCh37 (hg19) VCF-style: chr20-31016033-G-A.
Other names: c.325G>A, p.Val109Met (NM_001363734.1); short protein forms V109M, V119M.
Identifiers: ClinVar variation 2982978 (VCV002982978.4), dbSNP rs1414383610, ClinGen allele CA408551653.

ClinVar aggregate classification (germline): Uncertain significance. Review status: criteria provided, multiple submitters, no conflicts (2 of 4 stars). 2 submissions from 2 submitters: Uncertain significance (2). Last evaluated 2025-08-20.

Conditions:
Inborn genetic diseases. Identifiers: MedGen C0950123, MeSH D030342.

Allele frequency attached by ClinVar (database versions not stated): TOPMed 0.00001.
gnomAD v4.1: 2 of 1,614,210 alleles (0.00012%); highest among the groups gnomAD compares: Non-Finnish European, 0.00017%; no homozygotes.

Submissions (2):

Ambry Genetics
Classification: Uncertain significance for Inborn genetic diseases. Last evaluated: 2025-08-20. Review status: criteria provided, single submitter. Criteria: Ambry Variant Classification Scheme 2023. Collection method: clinical testing. Allele origin: germline.
Comment: The p.V119M variant (also known as c.355G>A), located in coding exon 5 of the ASXL1 gene, results from a G to A substitution at nucleotide position 355. The valine at codon 119 is replaced by methionine, an amino acid with highly similar properties. This amino acid position is conserved. In addition, this alteration is predicted to be tolerated by in silico analysis. Based on the available evidence, the clinical significance of this variant remains unclear.

Labcorp Genetics (formerly Invitae), Labcorp
Classification: Uncertain significance. Last evaluated: 2023-08-17. Review status: criteria provided, single submitter. Criteria: Invitae Variant Classification Sherloc (09022015). Collection method: clinical testing. Allele origin: germline.
Comment: This sequence change replaces valine, which is neutral and non-polar, with methionine, which is neutral and non-polar, at codon 119 of the ASXL1 protein (p.Val119Met). This variant is not present in population databases (gnomAD no frequency). In summary, the available evidence is currently insufficient to determine the role of this variant in disease. Therefore, it has been classified as a Variant of Uncertain Significance. Algorithms developed to predict the effect of sequence changes on RNA splicing suggest that this variant may disrupt the consensus splice site. An algorithm developed to predict the effect of missense changes on protein structure and function (PolyPhen-2) suggests that this variant is likely to be disruptive. This variant has not been reported in the literature in individuals affected with ASXL1-related conditions.